The following is an entry in ClinVar:

ClinVar aggregate classification (germline): Uncertain significance (1 of 4 stars; one submission).

Conditions:
Autosomal recessive limb-girdle muscular dystrophy type 2A (LGMDR1). Also called: Muscular dystrophy, limb-girdle, type 2A, Amish; LEYDEN-MOEBIUS MUSCULAR DYSTROPHY; MUSCULAR DYSTROPHY, PELVOFEMORAL; Limb-girdle muscular dystrophy, type 2A; Calpainopathy. Identifiers: Orphanet 267, MedGen C1869123, MONDO:0009675, OMIM 253600. Disease mechanism: loss of function.

Submission:

Labcorp Genetics (formerly Invitae), Labcorp
Classification: Uncertain significance for Autosomal recessive limb-girdle muscular dystrophy type 2A. Last evaluated: 2022-08-22. Review status: criteria provided, single submitter. Criteria: Invitae Variant Classification Sherloc (09022015). Collection method: clinical testing. Allele origin: germline.
Comment: Variants that disrupt the consensus splice site are a relatively common cause of aberrant splicing (PMID: 17576681, 9536098). Algorithms developed to predict the effect of sequence changes on RNA splicing suggest that this variant may disrupt the consensus splice site. In summary, the available evidence is currently insufficient to determine the role of this variant in disease. Therefore, it has been classified as a Variant of Uncertain Significance. This variant has not been reported in the literature in individuals affected with CAPN3-related conditions. This variant is not present in population databases (gnomAD no frequency). This sequence change falls in intron 5 of the CAPN3 gene. It does not directly change the encoded amino acid sequence of the CAPN3 protein. It affects a nucleotide within the consensus splice site.

Literature cited by the submitters: PubMed 17576681; PubMed 9536098.

NM_000070.3(CAPN3):c.801+3A>C

Gene: CAPN3 (calpain 3; plus strand). Cytogenetic location: 15q15.1.
Variant type: single nucleotide variant.
Coding change: c.801+3A>C on transcript NM_000070.3 (MANE Select); 3 bases into the intron after coding-DNA position 801, A replaced by C.
Molecular consequence: intron variant.
Genome position (GRCh38, 1-based): chr15:42,389,099, A>C. VCF-style: chr15-42389099-A-C. GRCh37 (hg19) VCF-style: chr15-42681297-A-C.
Other names: c.801+3A>C (NM_024344.2, NM_173087.2).
Identifiers: ClinVar variation 2026164 (VCV002026164.4), dbSNP rs2548260670, ClinGen allele CA2580089554.